The following is an entry in ClinVar:

NM_000352.6(ABCC8):c.1707C>T (p.Ala569=)

Gene: ABCC8 (ATP binding cassette subfamily C member 8; minus strand). Cytogenetic location: 11p15.1.
Variant type: single nucleotide variant.
Coding change: c.1707C>T on transcript NM_000352.6 (MANE Select); coding-DNA position 1707, C replaced by T.
Protein change: p.Ala569=; no amino-acid change (alanine 569 retained).
Molecular consequence: synonymous variant. On other transcripts: non-coding transcript variant (1).
Genome position (GRCh38, 1-based): chr11:17,430,924, G>A on the plus strand (C>T on the coding strand, the complement: ABCC8 is on the minus strand). VCF-style: chr11-17430924-G-A. GRCh37 (hg19) VCF-style: chr11-17452471-G-A.
Other names: c.1707C>T, p.Ala569= (NM_001287174.3, NM_001351295.2); c.1704C>T, p.Ala568= (NM_001351296.2, NM_001351297.2).
Identifiers: ClinVar variation 210070 (VCV000210070.31), dbSNP rs147623093, ClinGen allele CA205213.
Genomic context (GRCh38, chr11:17,430,924, plus strand): 5'-CGGTGTGACCAAGATATGGAAGAGGGAGAGGGAGGCAAAGGCCACGGAGGGCGAGAAGTC[G>A]GCCTCTTTGAAGAAGCTGACGTGGCCCACGAAAGTCTGTGGACAGAGGCACAAGTGAGGC-3'
Protein context (NP_000343.2, residues 559-579): FVGHVSFFKE[Ala569=]DFSPSVAFAS

ClinVar aggregate classification (germline): Conflicting classifications of pathogenicity. Review status: criteria provided, conflicting classifications (1 of 4 stars). 16 submissions from 13 submitters: Uncertain significance (4); Benign (7); Likely benign (2). 3 of the submissions do not count toward it. Last evaluated 2026-01-28.

Conditions:
Hereditary hyperinsulinism.
Diabetes mellitus, permanent neonatal 3. Also called: ABCC8-Related Permanent Neonatal Diabetes Mellitus. Identifiers: MedGen C5394303, MONDO:0030088, OMIM 618857.
Inborn genetic diseases. Identifiers: MedGen C0950123, MeSH D030342.
Transitory neonatal diabetes mellitus. Also called: Transient neonatal diabetes mellitus. Identifiers: MedGen C0342273, MONDO:0020525, HP:0008255.
Maturity-onset diabetes of the young (MODY). Also called: Maturity onset diabetes mellitus in young. Identifiers: Orphanet 552, MedGen C0342276, MONDO:0018911, HP:0004904.
Hyperinsulinemic hypoglycemia, familial, 1 (HHF1). Also called: Persistent hyperinsulinemic hypoglycemia of infancy; Persistent Hyperinsulinemia Hypoglycemia of Infancy; HYPERINSULINISM, FAMILIAL, WITH PANCREATIC NESIDIOBLASTOSIS; HYPOGLYCEMIA, HYPERINSULINEMIC, OF INFANCY; NESIDIOBLASTOSIS OF PANCREAS. Identifiers: Orphanet 276575, Orphanet 276598, MedGen C2931832, MONDO:0009734, OMIM 256450.
Diabetes mellitus, transient neonatal, 2 (TNDM2). Identifiers: Orphanet 99886, MedGen C1835887, MONDO:0012480, OMIM 610374. Disease mechanism: loss of function.
Permanent neonatal diabetes mellitus (PNDM). Identifiers: Orphanet 99885, MedGen C1833104, MONDO:0100164, MONDO:0011643. Disease mechanism: gain of function.

Allele frequency attached by ClinVar (database versions not stated): gnomAD exomes 0.00070 and 0.00127; gnomAD 0.00078 and 0.00083; ExAC 0.00092; 1000 Genomes Project 0.00100; ESP Exome Variant Server 0.00100; TOPMed 0.00100; 1000 Genomes Project 30x 0.00125.
gnomAD v4.1: 1,236 of 1,614,228 alleles (0.077%); highest among the groups gnomAD compares: Middle Eastern, 0.59%; 7 homozygotes.

Submissions (16):

Labcorp Genetics (formerly Invitae), Labcorp
Classification: Benign. Last evaluated: 2026-01-28. Review status: criteria provided, single submitter. Criteria: Invitae Variant Classification Sherloc (09022015). Collection method: clinical testing. Allele origin: germline.

Blueprint Genetics
Classification: Likely benign. Last evaluated: 2024-10-21. Review status: criteria provided, single submitter. Criteria: ACMG Guidelines, 2015. Collection method: clinical testing. Allele origin: germline.

ARUP Laboratories, Molecular Genetics and Genomics, ARUP Laboratories
Classification: Benign. Last evaluated: 2023-09-04. Review status: criteria provided, single submitter. Criteria: ARUP Molecular Germline Variant Investigation Process 2024. Collection method: clinical testing. Allele origin: germline.

Women's Health and Genetics/Laboratory Corporation of America, LabCorp
Classification: Benign. Last evaluated: 2022-08-31. Review status: criteria provided, single submitter. Criteria: LabCorp Variant Classification Summary - May 2015. Collection method: clinical testing. Allele origin: germline.
Comment: Variant summary: ABCC8 c.1707C>T alters a conserved nucleotide resulting in a synonymous change. 4/4 computational tools predict no significant impact on normal splicing. However, these predictions have yet to be confirmed by functional studies. The variant allele was found at a frequency of 0.0013 in 251336 control chromosomes, predominantly at a frequency of 0.018 within the Ashkenazi Jewish subpopulation in the gnomAD database, including 2 homozygotes. This frequency is approximately 5-fold the estimated maximal expected allele frequency for a pathogenic variant in ABCC8 causing Familial Hyperinsulinism (0.0034), strongly suggesting that the variant is a benign polymorphism found primarily in populations of Ashkenazi Jewish origin. Six clinical diagnostic laboratories have submitted clinical-significance assessments for this variant to ClinVar after 2014 without evidence for independent evaluation and all classified this variant as benign. Based on the evidence outlined above, the variant was classified as benign.

Ambry Genetics
Classification: Likely benign for Inborn genetic diseases. Last evaluated: 2022-02-14. Review status: criteria provided, single submitter. Criteria: Ambry Variant Classification Scheme 2023. Collection method: clinical testing. Allele origin: germline.

Genome-Nilou Lab
Classification: Benign for Diabetes mellitus, permanent neonatal 3. Last evaluated: 2021-05-18. Review status: criteria provided, single submitter. Criteria: ACMG Guidelines, 2015. Collection method: clinical testing. Allele origin: germline. Affected: no.

Athena Diagnostics
Classification: Benign. Last evaluated: 2018-12-18. Review status: criteria provided, single submitter. Criteria: Athena Diagnostics Criteria. Collection method: clinical testing. Allele origin: germline.

Genetic Services Laboratory, University of Chicago
Classification: Benign. Last evaluated: 2018-01-25. Review status: criteria provided, single submitter. Criteria: ACMG Guidelines, 2015. Collection method: clinical testing. Allele origin: germline. Affected: no.

Illumina Laboratory Services, Illumina
Classification: Uncertain significance for Hyperinsulinemic hypoglycemia, familial, 1. Last evaluated: 2018-01-13. Review status: criteria provided, single submitter. Criteria: ICSL Variant Classification Criteria 13 December 2019. Collection method: clinical testing. Allele origin: germline.

Illumina Laboratory Services, Illumina
Classification: Benign for Diabetes mellitus, transient neonatal, 2. Last evaluated: 2018-01-13. Review status: criteria provided, single submitter. Criteria: ICSL Variant Classification Criteria 13 December 2019. Collection method: clinical testing. Allele origin: germline.
Comment: This variant was observed in the ICSL laboratory as part of a predisposition screen in an ostensibly healthy population. It had not been previously curated by ICSL or reported in the Human Gene Mutation Database (HGMD: prior to June 1st, 2018), and was therefore a candidate for classification through an automated scoring system. Utilizing variant allele frequency, disease prevalence and penetrance estimates, and inheritance mode, an automated score was calculated to assess if this variant is too frequent to cause the disease. Based on the score and internal cut-off values, a variant classified as benign is not then subjected to further curation. The score for this variant resulted in a classification of benign for this disease.

Illumina Laboratory Services, Illumina
Classification: Uncertain significance for Permanent neonatal diabetes mellitus 1. Last evaluated: 2018-01-13. Review status: criteria provided, single submitter. Criteria: ICSL Variant Classification Criteria 13 December 2019. Collection method: clinical testing. Allele origin: germline.

Clinical Genomics, Uppaluri K&H Personalized Medicine Clinic
Classification: Uncertain significance for Maturity-onset diabetes of the young. Review status: criteria provided, single submitter. Criteria: K & H Uppaluri Personalized Medicine Clinic Variant Classification & Assertion Criteria_Updated V.1. Collection method: research. Allele origin: unknown. Inheritance: Somatic mutation.
Comment: Mutations in ABCC8 gene are associated with both neonatal diabetes mellitus as well as MODY. Patients with this mutation may have a better response to sulfonylureas. However, no sufficient evidence is found to ascertain the role of this particular variant (rs147623093) in MODY yet.

Clinical Genomics, Uppaluri K&H Personalized Medicine Clinic
Classification: Uncertain significance for Transitory neonatal diabetes mellitus. Review status: criteria provided, single submitter. Criteria: K & H Uppaluri Personalized Medicine Clinic Variant Classification & Assertion Criteria_Updated V.1. Collection method: research. Allele origin: unknown. Inheritance: Somatic mutation.
Comment: Mutations in ABCC8 gene are associated with both neonatal diabetes mellitus as well as MODY. Patients with this mutation may have a better response to sulfonylureas. However, no sufficient evidence is found to ascertain the role of this particular variant (rs147623093) in neonatal diabetes yet.

Natera, Inc.
Classification: Benign for Hereditary hyperinsulinism. Last evaluated: 2020-09-16. Review status: no assertion criteria provided. Collection method: clinical testing. Allele origin: germline. Not counted in ClinVar's aggregate classification.

Clinical Genetics DNA and cytogenetics Diagnostics Lab, Erasmus MC, Erasmus Medical Center
Classification: Likely benign. Review status: no assertion criteria provided. Collection method: clinical testing. Allele origin: germline. Affected: yes. Study: VKGL Data-share Consensus. Not counted in ClinVar's aggregate classification.

Laboratory of Diagnostic Genome Analysis, Leiden University Medical Center (LUMC)
Classification: Likely benign. Review status: no assertion criteria provided. Collection method: clinical testing. Allele origin: germline. Affected: yes. Study: VKGL Data-share Consensus. Not counted in ClinVar's aggregate classification.

Literature cited by the submitters: PubMed 18767144 (cited by Athena Diagnostics); PubMed 16429405 (cited by Athena Diagnostics); PubMed 16885549 (cited by Clinical Genomics, Uppaluri K&H Personalized Medicine Clinic); PubMed 21989597 (cited by Clinical Genomics, Uppaluri K&H Personalized Medicine Clinic); PubMed 27538677 (cited by Clinical Genomics, Uppaluri K&H Personalized Medicine Clinic); PubMed 18981553 (cited by Clinical Genomics, Uppaluri K&H Personalized Medicine Clinic); PubMed 32027066 (cited by Clinical Genomics, Uppaluri K&H Personalized Medicine Clinic); PubMed 16613899 (cited by Clinical Genomics, Uppaluri K&H Personalized Medicine Clinic); PubMed 18025408 (cited by Clinical Genomics, Uppaluri K&H Personalized Medicine Clinic); PubMed 32792356 (cited by Clinical Genomics, Uppaluri K&H Personalized Medicine Clinic).